The following is an entry in ClinVar:

NM_000548.5(TSC2):c.2732T>C (p.Phe911Ser)

Gene: TSC2 (TSC complex subunit 2; plus strand). Cytogenetic location: 16p13.3.
Variant type: single nucleotide variant.
Coding change: c.2732T>C on transcript NM_000548.5 (MANE Select); coding-DNA position 2732, T replaced by C.
Protein change: p.Phe911Ser; replaces phenylalanine 911 with serine.
Molecular consequence: missense variant.
Genome position (GRCh38, 1-based): chr16:2,076,160, T>C. VCF-style: chr16-2076160-T-C. GRCh37 (hg19) VCF-style: chr16-2126161-T-C.
Other names: c.2732T>C, p.Phe911Ser (NM_001077183.3, NM_001114382.3, NM_001363528.2 and 3 more transcripts); c.2621T>C, p.Phe874Ser (NM_001318827.2); c.2585T>C, p.Phe862Ser (NM_001318829.2); c.2132T>C, p.Phe711Ser (NM_001318831.2); c.2765T>C, p.Phe922Ser (NM_001318832.2); short protein forms F862S, F911S, F922S, F711S, F874S.
Identifiers: ClinVar variation 940202 (VCV000940202.9), dbSNP rs774758044, ClinGen allele CA394279584.

ClinVar aggregate classification (germline): Uncertain significance (1 of 4 stars; one submission).

Conditions:
Tuberous sclerosis 2 (TSC2). Identifiers: Orphanet 805, MedGen C1860707, MONDO:0013199, OMIM 613254.

Submission:

Labcorp Genetics (formerly Invitae), Labcorp
Classification: Uncertain significance for Tuberous sclerosis 2. Last evaluated: 2019-07-30. Review status: criteria provided, single submitter. Criteria: Invitae Variant Classification Sherloc (09022015). Collection method: clinical testing. Allele origin: germline.
Comment: In summary, the available evidence is currently insufficient to determine the role of this variant in disease. Therefore, it has been classified as a Variant of Uncertain Significance. Algorithms developed to predict the effect of missense changes on protein structure and function are either unavailable or do not agree on the potential impact of this missense change (SIFT: "Deleterious"; PolyPhen-2: "Benign"; Align-GVGD: "Class C0"). This variant has not been reported in the literature in individuals with TSC2-related conditions. This variant is not present in population databases (ExAC no frequency). This sequence change replaces phenylalanine with serine at codon 911 of the TSC2 protein (p.Phe911Ser). The phenylalanine residue is weakly conserved and there is a large physicochemical difference between phenylalanine and serine.